The following is an entry in ClinVar:

NM_018486.3(HDAC8):c.830T>G (p.Phe277Cys)

Gene: HDAC8 (histone deacetylase 8; minus strand). Cytogenetic location: Xq13.1.
Variant type: single nucleotide variant.
Coding change: c.830T>G on transcript NM_018486.3 (MANE Select); coding-DNA position 830, T replaced by G.
Protein change: p.Phe277Cys; replaces phenylalanine 277 with cysteine.
Molecular consequence: missense variant. On other transcripts: non-coding transcript variant (1).
Genome position (GRCh38, 1-based): chrX:72,464,639, A>C on the plus strand (T>G on the coding strand, the complement: HDAC8 is on the minus strand). VCF-style: chrX-72464639-A-C. GRCh37 (hg19) VCF-style: chrX-71684489-A-C.
Other names: c.557T>G, p.Phe186Cys (NM_001166418.2); short protein forms F186C, F277C.
Identifiers: ClinVar variation 1313253 (VCV001313253.2), dbSNP rs2148046164, ClinGen allele CA413643042.
Genomic context (GRCh38, chrX:72,464,639, plus strand): 5'-GCCAACTGCCATTGAAGGATGTACTTAAGACACTTGCCAATTCCCACTGGAGTCATGTTA[A>C]AGGAGCACATGGGATCCCCAGCTATTGTGTCAGCTCCCAGCTGTAAGACCACTGCTTTGG-3'
Protein context (NP_060956.1, residues 267-287): DTIAGDPMCS[Phe277Cys]NMTPVGIGKC

ClinVar aggregate classification (germline): Uncertain significance (1 of 4 stars; one submission).

Submission:

GeneDx
Classification: Uncertain significance. Last evaluated: 2020-10-14. Review status: criteria provided, single submitter. Criteria: GeneDx Variant Classification Process June 2021. Collection method: clinical testing. Allele origin: germline. Affected: yes.
Comment: Has not been previously published as pathogenic or benign to our knowledge; In silico analysis supports that this missense variant has a deleterious effect on protein structure/function; Not observed in large population cohorts (Lek et al., 2016)